The following is an entry in ClinVar:

NM_000334.4(SCN4A):c.2186G>T (p.Cys729Phe)

Genes: GH-LCR (growth hormone locus control region; plus strand), SCN4A (sodium voltage-gated channel alpha subunit 4; minus strand). Cytogenetic location: 17q23.3.
Variant type: single nucleotide variant.
Coding change: c.2186G>T on transcript NM_000334.4 (MANE Select); coding-DNA position 2186, G replaced by T.
Protein change: p.Cys729Phe; replaces cysteine 729 with phenylalanine.
Molecular consequence: missense variant.
Genome position (GRCh38, 1-based): chr17:63,957,352, C>A on the plus strand (G>T on the coding strand, the complement: SCN4A is on the minus strand). VCF-style: chr17-63957352-C-A. GRCh37 (hg19) VCF-style: chr17-62034712-C-A.
Other names: short protein forms C729F.
Identifiers: ClinVar variation 3696499 (VCV003696499.3).
Genomic context (GRCh38, chr17:63,957,352, plus strand): 5'-TGGAAGAAATCATGCATGTGCCAGCGCGGCAGGTTGCAGTCCAAGGCAATCTTGCACACG[C>A]ACTCCTTGTAGCTCTTGCCAAACAGCTGCATGCCCACCACGGCGAAGATGAACACGATGA-3'
Protein context (NP_000325.4, residues 719-739): MQLFGKSYKE[Cys729Phe]VCKIALDCNL

ClinVar aggregate classification (germline): Uncertain significance. Review status: criteria provided, multiple submitters, no conflicts (2 of 4 stars). 2 submissions from 2 submitters: Uncertain significance (2). Last evaluated 2026-03-12.

Conditions:
Inborn genetic diseases. Identifiers: MedGen C0950123, MeSH D030342.
Hyperkalemic periodic paralysis. Also called: Familial hyperkalemic periodic paralysis; Gamstorp disease. Identifiers: Orphanet 682, MedGen C0238357, MONDO:0008224, OMIM 170500, HP:0007215.

Submissions (2):

Ambry Genetics
Classification: Uncertain significance for Inborn genetic diseases. Last evaluated: 2026-03-12. Review status: criteria provided, single submitter. Criteria: Ambry Variant Classification Scheme 2023. Collection method: clinical testing. Allele origin: germline.

Labcorp Genetics (formerly Invitae), Labcorp
Classification: Uncertain significance for Hyperkalemic periodic paralysis. Last evaluated: 2024-12-15. Review status: criteria provided, single submitter. Criteria: Invitae Variant Classification Sherloc (09022015). Collection method: clinical testing. Allele origin: germline.
Comment: This sequence change replaces cysteine, which is neutral and slightly polar, with phenylalanine, which is neutral and non-polar, at codon 729 of the SCN4A protein (p.Cys729Phe). This variant is not present in population databases (gnomAD no frequency). This variant has not been reported in the literature in individuals affected with SCN4A-related conditions. Invitae Evidence Modeling of protein sequence and biophysical properties (such as structural, functional, and spatial information, amino acid conservation, physicochemical variation, residue mobility, and thermodynamic stability) indicates that this missense variant is not expected to disrupt SCN4A protein function with a negative predictive value of 95%. In summary, the available evidence is currently insufficient to determine the role of this variant in disease. Therefore, it has been classified as a Variant of Uncertain Significance.